The following is an entry in ClinVar:

NM_000284.4(PDHA1):c.511-30G>A

Gene: PDHA1 (pyruvate dehydrogenase E1 subunit alpha 1; plus strand). Cytogenetic location: Xp22.12.
Variant type: single nucleotide variant.
Coding change: c.511-30G>A on transcript NM_000284.4 (MANE Select); 30 bases into the intron before coding-DNA position 511, G replaced by A.
Molecular consequence: intron variant.
Genome position (GRCh38, 1-based): chrX:19,354,461, G>A. VCF-style: chrX-19354461-G-A. GRCh37 (hg19) VCF-style: chrX-19372579-G-A.
Other names: c.625-30G>A (NM_001173454.2); c.532-30G>A (NM_001173455.2); c.511-888G>A (NM_001173456.2).
Identifiers: ClinVar variation 4070334 (VCV004070334.1).

ClinVar aggregate classification (germline): Pathogenic (0 of 4 stars; one submission).

Conditions:
Pyruvate dehydrogenase E1-alpha deficiency (PDHAD). Also called: ATAXIA, INTERMITTENT, WITH PYRUVATE DEHYDROGENASE DEFICIENCY; ATAXIA WITH LACTIC ACIDOSIS I; ATAXIA, INTERMITTENT, WITH ABNORMAL PYRUVATE METABOLISM; Ataxia, intermittent, with pyruvate dehydrogenase, or decarboxylase, deficiency. Identifiers: Orphanet 79243, MedGen C1839413, MONDO:0010717, OMIM 312170.

Submission:

PDHA1 Study Group, University Children’s Hospital, Paracelsus Medical University
Classification: Pathogenic for Pyruvate dehydrogenase E1-alpha deficiency. Last evaluated: 2024-10-15. Review status: no assertion criteria provided. Collection method: research. Allele origin: de novo. Affected: yes. Observed: 1 variant allele.
Comment: The NM_000284.3:c.511-30G>A (p.?) variant affects splicing in PDHA1 gene. Among them, 1 case had confirmed de novo occurrence. The variant has been reported in 1 published case (PMIDs: 20002461). Last literature search: July 12, 2024. This variant is absent or extremely rare in population-based cohorts in the Genome Aggregation Database (gnomAD). Individuals harboring this variant presented with clinical features compatible with PDHA1-related PDHc deficiency. In summary, this variant meets criteria to be classified as pathogenic (P) for PDHA1-related PDHc deficiency based on the ACMG/AMP criteria applied: PS2, PS3, PM2, PM7, PP3, BP4 (last assessment October 15, 2024).

Literature cited by the submitters: PubMed 20002461; DOI 10.1093/brain/awaf430.